The following is an entry in ClinVar:

NC_000010.10:g.(?_13152254)_(13161060_?)del

Gene: OPTN (optineurin; plus strand). Cytogenetic location: 10p13.
Variant type: Deletion.
Identifiers: ClinVar variation 1459834 (VCV001459834.7).

ClinVar aggregate classification (germline): Pathogenic (1 of 4 stars; one submission).

Conditions:
Glaucoma 1, open angle, E. Identifiers: MedGen C1842026, MONDO:0007665.
Primary open angle glaucoma (POAG). Also called: OPTN-related open angle glaucoma. Identifiers: MedGen C0339573, MONDO:0100553, OMIM 137760.
Amyotrophic lateral sclerosis type 12 (ALS12). Also called: AMYOTROPHIC LATERAL SCLEROSIS 12 WITH OR WITHOUT FRONTOTEMPORAL DEMENTIA. Identifiers: Orphanet 803, MedGen C3150692, MONDO:0013264, OMIM 613435.

Submission:

Labcorp Genetics (formerly Invitae), Labcorp
Classification: Pathogenic for Primary open angle glaucoma; Glaucoma 1, open angle, E; Amyotrophic lateral sclerosis type 12. Last evaluated: 2023-01-08. Review status: criteria provided, single submitter. Criteria: Invitae Variant Classification Sherloc (09022015). Collection method: clinical testing. Allele origin: germline.
Comment: For these reasons, this variant has been classified as Pathogenic. This variant has not been reported in the literature in individuals affected with OPTN-related conditions. This variant is a gross deletion of the genomic region encompassing exon(s) 3-6 of the OPTN gene. This deletion is out-of-frame, and is expected to create a premature termination codon and result in an absent or disrupted protein product. Loss-of-function variants in OPTN are known to be pathogenic (PMID: 20428114).

Literature cited by the submitters: PubMed 20428114.